The following is an entry in ClinVar:

NM_032043.3(BRIP1):c.1707del (p.Leu570fs)

Gene: BRIP1 (BRCA1 interacting DNA helicase 1; minus strand). Cytogenetic location: 17q23.2.
Variant type: Deletion.
Coding change: c.1707del on transcript NM_032043.3 (MANE Select); coding-DNA position 1707, one base deleted (G; older notation c.1707delG).
Protein change: p.Leu570fs; shifts the reading frame from leucine 570.
Molecular consequence: frameshift variant.
Genome position (GRCh38, 1-based): chr17:61,780,927, C deleted on the plus strand (G on the coding strand, the reverse complement: BRIP1 is on the minus strand); the first of 3 consecutive C bases (chr17:61,780,927-61,780,929); deleting any one gives the same sequence. VCF-style (leftmost placement, unchanged base first): chr17-61780926-AC-A. GRCh37 (hg19) VCF-style: chr17-59858287-AC-A.
Other names: c.1707delG (NM_032043.2); short protein forms L570fs.
Identifiers: ClinVar variation 920331 (VCV000920331.14), dbSNP rs2077609211, ClinGen allele CA1139665782.

ClinVar aggregate classification (germline): Pathogenic. Review status: criteria provided, multiple submitters, no conflicts (2 of 4 stars). 4 submissions from 4 submitters: Pathogenic (4). Last evaluated 2025-04-28.

Conditions:
Hereditary cancer-predisposing syndrome. Also called: Hereditary Cancer Syndrome; Hereditary neoplastic syndrome; Neoplastic Syndromes, Hereditary; Tumor predisposition. Identifiers: Orphanet 140162, MedGen C0027672, MeSH D009386, MONDO:0015356.
Familial cancer of breast. Also called: hereditary breast carcinoma; BREAST CANCER, FAMILIAL; Hereditary breast cancer. Identifiers: Orphanet 227535, MedGen C0346153, MONDO:0016419, OMIM 114480. Disease mechanism: loss of function.
Fanconi anemia complementation group J. Also called: BRIP1-Related Fanconi Anemia. Identifiers: Orphanet 84, MedGen C1836860, MONDO:0012187, OMIM 609054.

Submissions (4):

Color Diagnostics, LLC DBA Color Health
Classification: Pathogenic for Hereditary cancer-predisposing syndrome. Last evaluated: 2025-04-28. Review status: criteria provided, single submitter. Criteria: ACMG Guidelines, 2015. Collection method: clinical testing. Allele origin: germline.
Comment: This variant deletes 1 nucleotide in exon 12/20 of the BRIP1 gene, creating a frameshift and premature translation stop signal. This variant is expected to result in an absent or non-functional protein product. To our knowledge, this variant has not been reported in individuals affected with BRIP1-related disorders in the literature. This variant has not been identified in the general population by the Genome Aggregation Database (gnomAD). Loss of BRIP1 function is a known mechanism of disease. Based on the available evidence, this variant is classified as Pathogenic.

Labcorp Genetics (formerly Invitae), Labcorp
Classification: Pathogenic for Familial cancer of breast; Fanconi anemia complementation group J. Last evaluated: 2025-04-23. Review status: criteria provided, single submitter. Criteria: Invitae Variant Classification Sherloc (09022015). Collection method: clinical testing. Allele origin: germline.
Comment: This sequence change creates a premature translational stop signal (p.Leu570Cysfs*20) in the BRIP1 gene. It is expected to result in an absent or disrupted protein product. Loss-of-function variants in BRIP1 are known to be pathogenic (PMID: 16116423, 17033622, 21964575). This variant is not present in population databases (gnomAD no frequency). This variant has not been reported in the literature in individuals affected with BRIP1-related conditions. ClinVar contains an entry for this variant (Variation ID: 920331). For these reasons, this variant has been classified as Pathogenic.

Myriad Genetics, Inc.
Classification: Pathogenic for Familial cancer of breast. Last evaluated: 2023-06-05. Review status: criteria provided, single submitter. Criteria: Myriad Autosomal Dominant, Autosomal Recessive and X-Linked Classification Criteria (2023). Collection method: clinical testing. Allele origin: unknown.
Comment: This variant is considered pathogenic. This variant creates a frameshift predicted to result in premature protein truncation.

Ambry Genetics
Classification: Pathogenic for Hereditary cancer-predisposing syndrome. Last evaluated: 2022-02-18. Review status: criteria provided, single submitter. Criteria: Ambry Variant Classification Scheme 2023. Collection method: clinical testing. Allele origin: germline.
Comment: The c.1707delG pathogenic mutation, located in coding exon 11 of the BRIP1 gene, results from a deletion of one nucleotide at nucleotide position 1707, causing a translational frameshift with a predicted alternate stop codon (p.L570Cfs*20). This variant is considered to be rare based on population cohorts in the Genome Aggregation Database (gnomAD). This alteration is expected to result in loss of function by premature protein truncation or nonsense-mediated mRNA decay. As such, this alteration is interpreted as a disease-causing mutation.

Literature cited by the submitters: PubMed 16116423 (cited by Labcorp Genetics (formerly Invitae), Labcorp); PubMed 17033622 (cited by Labcorp Genetics (formerly Invitae), Labcorp); PubMed 21964575 (cited by Labcorp Genetics (formerly Invitae), Labcorp).